The following is an entry in ClinVar:

ClinVar aggregate classification (germline): Uncertain significance (1 of 4 stars; one submission).

Conditions:
Hypertrophic cardiomyopathy. Also called: HYPERTROPHIC MYOCARDIOPATHY. Identifiers: Orphanet 217569, MedGen C0007194, MeSH D002312, MONDO:0005045, HP:0001639.

gnomAD v4.1: 7 of 1,613,788 alleles (0.00043%); highest among the groups gnomAD compares: Non-Finnish European, 0.00051%; no homozygotes.

Submission:

Labcorp Genetics (formerly Invitae), Labcorp
Classification: Uncertain significance for Hypertrophic cardiomyopathy. Last evaluated: 2025-04-03. Review status: criteria provided, single submitter. Criteria: Invitae Variant Classification Sherloc (09022015). Collection method: clinical testing. Allele origin: germline.
Comment: This sequence change falls in intron 23 of the MYBPC3 gene. It does not directly change the encoded amino acid sequence of the MYBPC3 protein. This variant is not present in population databases (gnomAD no frequency). This variant has not been reported in the literature in individuals affected with MYBPC3-related conditions. ClinVar contains an entry for this variant (Variation ID: 3669385). Algorithms developed to predict the effect of sequence changes on RNA splicing suggest that this variant may disrupt the consensus splice site. In summary, the available evidence is currently insufficient to determine the role of this variant in disease. Therefore, it has been classified as a Variant of Uncertain Significance.

NM_000256.3(MYBPC3):c.2308+15G>A

Gene: MYBPC3 (myosin binding protein C3; minus strand). Cytogenetic location: 11p11.2.
Variant type: single nucleotide variant.
Coding change: c.2308+15G>A on transcript NM_000256.3 (MANE Select); 15 bases into the intron after coding-DNA position 2308, G replaced by A.
Molecular consequence: intron variant.
Genome position (GRCh38, 1-based): chr11:47,338,505, C>T on the plus strand (G>A on the coding strand, the complement: MYBPC3 is on the minus strand). VCF-style: chr11-47338505-C-T. GRCh37 (hg19) VCF-style: chr11-47360056-C-T.
Identifiers: ClinVar variation 3669385 (VCV003669385.2).